The following is an entry in ClinVar:

NM_000059.4(BRCA2):c.2551_2555del (p.Phe851fs)

Gene: BRCA2 (BRCA2 DNA repair associated; plus strand). Cytogenetic location: 13q13.1.
Variant type: Deletion.
Coding change: c.2551_2555del on transcript NM_000059.4 (MANE Select); coding-DNA positions 2551 to 2555, 5 bases deleted (TTCAA; older notation c.2551_2555delTTCAA).
Protein change: p.Phe851fs; shifts the reading frame from phenylalanine 851.
Molecular consequence: frameshift variant.
Genome position (GRCh38, 1-based): chr13:32,336,906-32,336,910, TTCAA deleted; deleting any 5 consecutive bases within chr13:32,336,903-32,336,910 gives the same sequence; the c. name uses the placement nearest the transcript's 3' end. VCF-style (leftmost placement, unchanged base first): chr13-32336902-ACAATT-A. GRCh37 (hg19) VCF-style: chr13-32911039-ACAATT-A.
Other names: c.2551_2555delTTCAA (NM_000059.3); short protein forms F851fs.
Identifiers: ClinVar variation 1687120 (VCV001687120.4), dbSNP rs2137487619, ClinGen allele CA891842149.

ClinVar aggregate classification (germline): Pathogenic. Review status: criteria provided, single submitter (1 of 4 stars). 2 submissions from 2 submitters: Pathogenic (1). 1 of the submissions does not count toward it. Last evaluated 2017-10-19.

Conditions:
Hereditary cancer-predisposing syndrome. Also called: Hereditary Cancer Syndrome; Hereditary neoplastic syndrome; Neoplastic Syndromes, Hereditary; Tumor predisposition. Identifiers: Orphanet 140162, MedGen C0027672, MeSH D009386, MONDO:0015356.
Familial cancer of breast. Also called: BREAST CANCER, FAMILIAL; Hereditary breast cancer; hereditary breast carcinoma. Identifiers: Orphanet 227535, MedGen C0346153, MONDO:0016419, OMIM 114480. Disease mechanism: loss of function.

Submissions (2):

Ambry Genetics
Classification: Pathogenic for Hereditary cancer-predisposing syndrome. Last evaluated: 2017-10-19. Review status: criteria provided, single submitter. Criteria: Ambry Variant Classification Scheme 2023. Collection method: clinical testing. Allele origin: germline.
Comment: The c.2551_2555delTTCAA variant, located in coding exon 10 of the BRCA2 gene, results from a deletion of 5 nucleotides at nucleotide positions 2551 to 2555, causing a translational frameshift with a predicted alternate stop codon (p.F851Pfs*28). This alteration is expected to result in loss of function by premature protein truncation or nonsense-mediated mRNA decay. As such, this alteration is interpreted as a disease-causing mutation.

Center for Precision Medicine, Meizhou People's Hospital
Classification: Pathogenic for Familial cancer of breast. Review status: no assertion criteria provided. Collection method: clinical testing. Allele origin: germline. Affected: yes. Not counted in ClinVar's aggregate classification.